The following is an entry in ClinVar:

NM_032816.5(CEP89):c.1436A>T (p.Gln479Leu)

Gene: CEP89 (centrosomal protein 89; minus strand). Cytogenetic location: 19q13.11.
Variant type: single nucleotide variant.
Coding change: c.1436A>T on transcript NM_032816.5 (MANE Select); coding-DNA position 1436, A replaced by T.
Protein change: p.Gln479Leu; replaces glutamine 479 with leucine.
Molecular consequence: missense variant.
Genome position (GRCh38, 1-based): chr19:32,915,466, T>A on the plus strand (A>T on the coding strand, the complement: CEP89 is on the minus strand). VCF-style: chr19-32915466-T-A. GRCh37 (hg19) VCF-style: chr19-33406372-T-A.
Other names: short protein forms Q479L.
Identifiers: ClinVar variation 2738357 (VCV002738357.3), dbSNP rs775482666, ClinGen allele CA9359293.
Genomic context (GRCh38, chr19:32,915,466, plus strand): 5'-TCTTGGCATTTGGCACGTAAAATCTCCAGCTGTTCCCTGTTCTCCGCCAGCTCCTTTTCC[T>A]GGCCGTGGGTTTTTGCCTCCAGGAGCATTAGTTGTTTAGTCAGCTTAGAAACTGAAAATC-3'
Protein context (NP_116205.3, residues 469-489): LMLLEAKTHG[Gln479Leu]EKELAENREQ

ClinVar aggregate classification (germline): Uncertain significance (1 of 4 stars; one submission).

Allele frequency attached by ClinVar (database versions not stated): ExAC 0.00001; TOPMed 0.00002.
gnomAD v4.1: 20 of 1,613,262 alleles (0.0012%); highest among the groups gnomAD compares: East Asian, 0.042%; no homozygotes.

Submission:

Labcorp Genetics (formerly Invitae), Labcorp
Classification: Uncertain significance. Last evaluated: 2023-07-29. Review status: criteria provided, single submitter. Criteria: Invitae Variant Classification Sherloc (09022015). Collection method: clinical testing. Allele origin: germline.
Comment: In summary, the available evidence is currently insufficient to determine the role of this variant in disease. Therefore, it has been classified as a Variant of Uncertain Significance. This sequence change replaces glutamine, which is neutral and polar, with leucine, which is neutral and non-polar, at codon 479 of the CEP89 protein (p.Gln479Leu). This variant is present in population databases (rs775482666, gnomAD 0.04%). This variant has not been reported in the literature in individuals affected with CEP89-related conditions. An algorithm developed to predict the effect of missense changes on protein structure and function (PolyPhen-2) suggests that this variant is likely to be tolerated.